The following is an entry in ClinVar:

ClinVar aggregate classification (germline): Likely benign (0 of 4 stars; one submission).

Conditions:
PLXNA1-related disorder. Also called: PLXNA1-related condition.

Allele frequency attached by ClinVar (database versions not stated): gnomAD exomes below 0.00001; gnomAD 0.00001; TOPMed 0.00001; 1000 Genomes Project 0.00020; 1000 Genomes Project 30x 0.00031.
gnomAD v4.1: 4 of 1,576,234 alleles (0.00025%); highest among the groups gnomAD compares: Admixed American, 0.0018%; no homozygotes.

Submission:

PreventionGenetics, part of Exact Sciences
Classification: Likely benign for PLXNA1-related condition. Last evaluated: 2023-07-03. Review status: no assertion criteria provided. Collection method: clinical testing. Allele origin: germline.
Comment: This variant is classified as likely benign based on ACMG/AMP sequence variant interpretation guidelines (Richards et al. 2015 PMID: 25741868, with internal and published modifications).

NM_032242.4(PLXNA1):c.49T>C (p.Leu17=)

Gene: PLXNA1 (plexin A1; plus strand). Cytogenetic location: 3q21.3.
Variant type: single nucleotide variant.
Coding change: c.49T>C on transcript NM_032242.4 (MANE Select); coding-DNA position 49, T replaced by C.
Protein change: p.Leu17=; no amino-acid change (leucine 17 retained).
Molecular consequence: synonymous variant.
Genome position (GRCh38, 1-based): chr3:126,988,642, T>C. VCF-style: chr3-126988642-T-C. GRCh37 (hg19) VCF-style: chr3-126707485-T-C.
Identifiers: ClinVar variation 3053053 (VCV003053053.2), dbSNP rs563093512, ClinGen allele CA83277770.